The following is an entry in ClinVar:

ClinVar aggregate classification (germline): Uncertain significance (1 of 4 stars; one submission).

gnomAD v4.1: 18 of 1,612,118 alleles (0.0011%); highest among the groups gnomAD compares: South Asian, 0.016%; no homozygotes.

Submission:

Women's Health and Genetics/Laboratory Corporation of America, LabCorp
Classification: Uncertain significance. Last evaluated: 2025-10-29. Review status: criteria provided, single submitter. Criteria: LabCorp Variant Classification Summary - May 2015. Collection method: clinical testing. Allele origin: germline.
Comment: Variant summary: COL5A2 c.400G>T (p.Ala134Ser) results in a conservative amino acid change in the encoded protein sequence. Algorithms developed to predict the effect of missense changes on protein structure and function all suggest that this variant is likely to be tolerated. Consensus agreement among computation tools predict no significant impact on normal splicing. However, these predictions have yet to be confirmed by functional studies. The variant allele was found at a frequency of 1.6e-05 in 251272 control chromosomes. The available data on variant occurrences in the general population are insufficient to allow any conclusion about variant significance. To our knowledge, no occurrence of c.400G>T in individuals affected with COL5A2-related conditions and no experimental evidence demonstrating its impact on protein function have been reported. No submitters have cited clinical-significance assessments for this variant to ClinVar. Based on the evidence outlined above, the variant was classified as uncertain significance.

NM_000393.5(COL5A2):c.400G>T (p.Ala134Ser)

Gene: COL5A2 (collagen type V alpha 2 chain; minus strand). Cytogenetic location: 2q32.2.
Variant type: single nucleotide variant.
Coding change: c.400G>T on transcript NM_000393.5 (MANE Select); coding-DNA position 400, G replaced by T.
Protein change: p.Ala134Ser; replaces alanine 134 with serine.
Molecular consequence: missense variant.
Genome position (GRCh38, 1-based): chr2:189,098,729, C>A on the plus strand (G>T on the coding strand, the complement: COL5A2 is on the minus strand). VCF-style: chr2-189098729-C-A. GRCh37 (hg19) VCF-style: chr2-189963455-C-A.
Other names: short protein forms A134S.
Identifiers: ClinVar variation 4687671 (VCV004687671.1).